The following is an entry in ClinVar:

NM_001486.4(GCKR):c.656T>C (p.Ile219Thr)

Gene: GCKR (glucokinase regulator; plus strand). Cytogenetic location: 2p23.3.
Variant type: single nucleotide variant.
Coding change: c.656T>C on transcript NM_001486.4 (MANE Select); coding-DNA position 656, T replaced by C.
Protein change: p.Ile219Thr; replaces isoleucine 219 with threonine.
Molecular consequence: missense variant.
Genome position (GRCh38, 1-based): chr2:27,503,525, T>C. VCF-style: chr2-27503525-T-C. GRCh37 (hg19) VCF-style: chr2-27726392-T-C.
Other names: short protein forms I219T.
Identifiers: ClinVar variation 2364454 (VCV002364454.5), dbSNP rs201036537, ClinGen allele CA1581674.

ClinVar aggregate classification (germline): Uncertain significance. Review status: criteria provided, multiple submitters, no conflicts (2 of 4 stars). 2 submissions from 2 submitters: Uncertain significance (2). Last evaluated 2025-09-04.

Allele frequency attached by ClinVar (database versions not stated): gnomAD 0.00004; TOPMed 0.00004; gnomAD exomes 0.00006; ESP Exome Variant Server 0.00008; ExAC 0.00014; 1000 Genomes Project 30x 0.00031; 1000 Genomes Project 0.00040.
gnomAD v4.1: 93 of 1,583,344 alleles (0.0059%); highest among the groups gnomAD compares: South Asian, 0.08%; no homozygotes.

Submissions (2):

Ambry Genetics
Classification: Uncertain significance. Last evaluated: 2025-09-04. Review status: criteria provided, single submitter. Criteria: Ambry Variant Classification Scheme 2023. Collection method: clinical testing. Allele origin: germline.

Labcorp Genetics (formerly Invitae), Labcorp
Classification: Uncertain significance. Last evaluated: 2024-10-14. Review status: criteria provided, single submitter. Criteria: Invitae Variant Classification Sherloc (09022015). Collection method: clinical testing. Allele origin: germline.
Comment: This sequence change replaces isoleucine, which is neutral and non-polar, with threonine, which is neutral and polar, at codon 219 of the GCKR protein (p.Ile219Thr). This variant is present in population databases (rs201036537, gnomAD 0.07%), and has an allele count higher than expected for a pathogenic variant. This variant has not been reported in the literature in individuals affected with GCKR-related conditions. ClinVar contains an entry for this variant (Variation ID: 2364454). An algorithm developed to predict the effect of missense changes on protein structure and function outputs the following: PolyPhen-2: "Benign". The threonine amino acid residue is found in multiple mammalian species, which suggests that this missense change does not adversely affect protein function. In summary, the available evidence is currently insufficient to determine the role of this variant in disease. Therefore, it has been classified as a Variant of Uncertain Significance.